The following is an entry in ClinVar:

NM_006904.7(PRKDC):c.1171C>T (p.Arg391Cys)

Gene: PRKDC (protein kinase, DNA-activated, catalytic subunit; minus strand). Cytogenetic location: 8q11.21.
Variant type: single nucleotide variant.
Coding change: c.1171C>T on transcript NM_006904.7 (MANE Select); coding-DNA position 1171, C replaced by T.
Protein change: p.Arg391Cys; replaces arginine 391 with cysteine.
Molecular consequence: missense variant.
Genome position (GRCh38, 1-based): chr8:47,936,460, G>A on the plus strand (C>T on the coding strand, the complement: PRKDC is on the minus strand). VCF-style: chr8-47936460-G-A. GRCh37 (hg19) VCF-style: chr8-48849020-G-A.
Other names: c.1171C>T, p.Arg391Cys (NM_001081640.2); short protein forms R391C.
Identifiers: ClinVar variation 655982 (VCV000655982.9), dbSNP rs1458221354, ClinGen allele CA371166273.

ClinVar aggregate classification (germline): Uncertain significance. Review status: criteria provided, multiple submitters, no conflicts (2 of 4 stars). 2 submissions from 2 submitters: Uncertain significance (2). Last evaluated 2022-03-04.

Conditions:
Severe combined immunodeficiency due to DNA-PKcs deficiency. Also called: IMMUNODEFICIENCY 26 WITH NEUROLOGIC ABNORMALITIES; Immunodeficiency 26 with or without neurologic abnormalities. Identifiers: Orphanet 317425, MedGen C4014833, MONDO:0014423, OMIM 615966.

Allele frequency attached by ClinVar (database versions not stated): gnomAD exomes below 0.00001 and 0.00001.
gnomAD v4.1: 11 of 1,614,002 alleles (0.00068%); highest among the groups gnomAD compares: South Asian, 0.0011%; no homozygotes.

Submissions (2):

Ambry Genetics
Classification: Uncertain significance. Last evaluated: 2022-03-04. Review status: criteria provided, single submitter. Criteria: Ambry Variant Classification Scheme 2023. Collection method: clinical testing. Allele origin: germline.
Comment: The p.R391C variant (also known as c.1171C>T), located in coding exon 12 of the PRKDC gene, results from a C to T substitution at nucleotide position 1171. The arginine at codon 391 is replaced by cysteine, an amino acid with highly dissimilar properties. This amino acid position is conserved. In addition, the in silico prediction for this alteration is inconclusive. Since supporting evidence is limited at this time, the clinical significance of this alteration remains unclear.

Labcorp Genetics (formerly Invitae), Labcorp
Classification: Uncertain significance for Severe combined immunodeficiency due to DNA-PKcs deficiency. Last evaluated: 2021-01-29. Review status: criteria provided, single submitter. Criteria: Invitae Variant Classification Sherloc (09022015). Collection method: clinical testing. Allele origin: germline.
Comment: This variant has not been reported in the literature in individuals with PRKDC-related disease. In summary, the available evidence is currently insufficient to determine the role of this variant in disease. Therefore, it has been classified as a Variant of Uncertain Significance. Algorithms developed to predict the effect of missense changes on protein structure and function are either unavailable or do not agree on the potential impact of this missense change (SIFT: "Deleterious"; PolyPhen-2: "Not Available"; Align-GVGD: "Class C0"). This variant is not present in population databases (ExAC no frequency). This sequence change replaces arginine with cystine at codon 391 of the PRKDC protein (p.Arg391Cys). The arginine residue is moderately conserved and there is a large physicochemical difference between arginine and cysteine.